The following is an entry in ClinVar:

NM_003072.5(SMARCA4):c.2995G>A (p.Asp999Asn)

Gene: SMARCA4 (SWI/SNF related BAF chromatin remodeling complex subunit ATPase 4; plus strand). Cytogenetic location: 19p13.2.
Variant type: single nucleotide variant.
Coding change: c.2995G>A on transcript NM_003072.5 (MANE Select); coding-DNA position 2995, G replaced by A.
Protein change: p.Asp999Asn; replaces aspartic acid 999 with asparagine.
Molecular consequence: missense variant. On other transcripts: non-coding transcript variant (1).
Genome position (GRCh38, 1-based): chr19:11,024,352, G>A. VCF-style: chr19-11024352-G-A. GRCh37 (hg19) VCF-style: chr19-11135028-G-A.
Other names: c.2995G>A, p.Asp999Asn (NM_001128844.3, NM_001128845.2, NM_001128846.2 and 5 more transcripts); short protein forms D999N.
Identifiers: ClinVar variation 470330 (VCV000470330.21), dbSNP rs1555779989, ClinGen allele CA404058836.

ClinVar aggregate classification (germline): Conflicting classifications of pathogenicity. Review status: criteria provided, conflicting classifications (1 of 4 stars). 5 submissions from 5 submitters: Uncertain significance (4); Likely benign (1). Last evaluated 2025-10-01.

Conditions:
Hereditary cancer-predisposing syndrome. Also called: Hereditary neoplastic syndrome; Neoplastic Syndromes, Hereditary; Hereditary Cancer Syndrome; Tumor predisposition. Identifiers: Orphanet 140162, MedGen C0027672, MeSH D009386, MONDO:0015356.
Intellectual disability, autosomal dominant 16 (CSS4). Also called: COFFIN-SIRIS SYNDROME 4. Identifiers: Orphanet 1465, MedGen C3553249, MONDO:0013821, OMIM 614609.
Rhabdoid tumor predisposition syndrome 2 (RTPS2). Identifiers: Orphanet 231108, Orphanet 69077, MedGen C2750074, MONDO:0013224, OMIM 613325.

Allele frequency attached by ClinVar (database versions not stated): gnomAD exomes below 0.00001.
gnomAD v4.1: 2 of 1,612,840 alleles (0.00012%); highest among the groups gnomAD compares: Non-Finnish European, 0.000085%; no homozygotes.

Submissions (5):

Labcorp Genetics (formerly Invitae), Labcorp
Classification: Uncertain significance for Rhabdoid tumor predisposition syndrome 2. Last evaluated: 2025-10-01. Review status: criteria provided, single submitter. Criteria: Invitae Variant Classification Sherloc (09022015). Collection method: clinical testing. Allele origin: germline.
Comment: This sequence change replaces aspartic acid, which is acidic and polar, with asparagine, which is neutral and polar, at codon 999 of the SMARCA4 protein (p.Asp999Asn). This variant is not present in population databases (gnomAD no frequency). This variant has not been reported in the literature in individuals affected with SMARCA4-related conditions. ClinVar contains an entry for this variant (Variation ID: 470330). Invitae Evidence Modeling of protein sequence and biophysical properties (such as structural, functional, and spatial information, amino acid conservation, physicochemical variation, residue mobility, and thermodynamic stability) has been performed for this missense variant. However, the output from this modeling did not meet the statistical confidence thresholds required to predict the impact of this variant on SMARCA4 protein function. In summary, the available evidence is currently insufficient to determine the role of this variant in disease. Therefore, it has been classified as a Variant of Uncertain Significance.

Blueprint Genetics
Classification: Uncertain significance. Last evaluated: 2024-09-09. Review status: criteria provided, single submitter. Criteria: ACMG Guidelines, 2015. Collection method: clinical testing. Allele origin: germline.

Ambry Genetics
Classification: Likely benign for Hereditary cancer-predisposing syndrome. Last evaluated: 2023-04-13. Review status: criteria provided, single submitter. Criteria: Ambry Variant Classification Scheme 2023. Collection method: clinical testing. Allele origin: germline.

GeneDx
Classification: Uncertain significance. Last evaluated: 2022-11-15. Review status: criteria provided, single submitter. Criteria: GeneDx Variant Classification Process June 2021. Collection method: clinical testing. Allele origin: germline.
Comment: Not observed at significant frequency in large population cohorts (gnomAD); In silico analysis supports that this missense variant has a deleterious effect on protein structure/function; Has not been previously published as pathogenic or benign to our knowledge; This variant is associated with the following publications: (PMID: 24658002)

Genome-Nilou Lab
Classification: Uncertain significance for Intellectual disability, autosomal dominant 16. Last evaluated: 2021-07-15. Review status: criteria provided, single submitter. Criteria: ACMG Guidelines, 2015. Collection method: clinical testing. Allele origin: germline. Affected: no.